The following is an entry in ClinVar:

ClinVar aggregate classification (germline): Uncertain significance (1 of 4 stars; one submission).

gnomAD v4.1: 4 of 1,560,666 alleles (0.00026%); highest among the groups gnomAD compares: Non-Finnish European, 0.00035%; no homozygotes.

Submission:

Labcorp Genetics (formerly Invitae), Labcorp
Classification: Uncertain significance. Last evaluated: 2025-11-06. Review status: criteria provided, single submitter. Criteria: Invitae Variant Classification Sherloc (09022015). Collection method: clinical testing. Allele origin: germline.
Comment: This sequence change replaces arginine, which is basic and polar, with glycine, which is neutral and non-polar, at codon 1041 of the NOTCH3 protein (p.Arg1041Gly). This variant is not present in population databases (gnomAD no frequency). This variant has not been reported in the literature in individuals affected with NOTCH3-related conditions. Invitae Evidence Modeling of protein sequence and biophysical properties (such as structural, functional, and spatial information, amino acid conservation, physicochemical variation, residue mobility, and thermodynamic stability) indicates that this missense variant is not expected to disrupt NOTCH3 protein function with a negative predictive value of 95%. In summary, the available evidence is currently insufficient to determine the role of this variant in disease. Therefore, it has been classified as a Variant of Uncertain Significance.

NM_000435.3(NOTCH3):c.3121A>G (p.Arg1041Gly)

Gene: NOTCH3 (notch receptor 3; minus strand). Cytogenetic location: 19p13.12.
Variant type: single nucleotide variant.
Coding change: c.3121A>G on transcript NM_000435.3 (MANE Select); coding-DNA position 3121, A replaced by G.
Protein change: p.Arg1041Gly; replaces arginine 1041 with glycine.
Molecular consequence: missense variant.
Genome position (GRCh38, 1-based): chr19:15,180,702, T>C on the plus strand (A>G on the coding strand, the complement: NOTCH3 is on the minus strand). VCF-style: chr19-15180702-T-C. GRCh37 (hg19) VCF-style: chr19-15291513-T-C.
Other names: short protein forms R1041G.
Identifiers: ClinVar variation 4703249 (VCV004703249.1).
Genomic context (GRCh38, chr19:15,180,702, plus strand): 5'-CCCAAGGCCCCACACGCCCGCCCACATGCTCCCACTCACCGATCTGGGCTGCGGCCTCCC[T>C]GCAGGGCAAGCTTCGGATGTCACAGAGGCGTCCGCTCCATCCAGGGGGACAAAGGCAATA-3'
Protein context (NP_000426.2, residues 1031-1051): RLCDIRSLPC[Arg1041Gly]EAAAQIGVRL